The following is an entry in ClinVar:

ClinVar aggregate classification (germline): Uncertain significance. Review status: criteria provided, multiple submitters, no conflicts (2 of 4 stars). 2 submissions from 2 submitters: Uncertain significance (2). Last evaluated 2025-03-04.

Conditions:
Hereditary cancer-predisposing syndrome. Also called: Hereditary Cancer Syndrome; Neoplastic Syndromes, Hereditary; Hereditary neoplastic syndrome; Tumor predisposition. Identifiers: Orphanet 140162, MedGen C0027672, MeSH D009386, MONDO:0015356.
Cardiovascular phenotype. Identifiers: MedGen CN230736.
Neurofibromatosis, type 1 (NF1). Also called: Peripheral type neurofibromatosis; Neurofibromatosis, type I; NEUROFIBROMATOSIS, TYPE I, SOMATIC; VON RECKLINGHAUSEN DISEASE. Identifiers: Orphanet 636, MedGen C0027831, MONDO:0018975, OMIM 162200. Disease mechanism: loss of function.

Submissions (3):

Labcorp Genetics (formerly Invitae), Labcorp
Classification: Uncertain significance for Neurofibromatosis, type 1. Last evaluated: 2025-03-04. Review status: criteria provided, single submitter. Criteria: Invitae Variant Classification Sherloc (09022015). Collection method: clinical testing. Allele origin: germline.
Comment: This sequence change replaces glycine, which is neutral and non-polar, with valine, which is neutral and non-polar, at codon 312 of the NF1 protein (p.Gly312Val). This variant is not present in population databases (gnomAD no frequency). This variant has not been reported in the literature in individuals affected with NF1-related conditions. ClinVar contains an entry for this variant (Variation ID: 823189). Invitae Evidence Modeling of protein sequence and biophysical properties (such as structural, functional, and spatial information, amino acid conservation, physicochemical variation, residue mobility, and thermodynamic stability) indicates that this missense variant is expected to disrupt NF1 protein function with a positive predictive value of 80%. Algorithms developed to predict the effect of sequence changes on RNA splicing suggest that this variant may disrupt the consensus splice site. In summary, the available evidence is currently insufficient to determine the role of this variant in disease. Therefore, it has been classified as a Variant of Uncertain Significance.

Ambry Genetics
Classification: Uncertain significance for Cardiovascular phenotype; Hereditary cancer-predisposing syndrome. Last evaluated: 2024-12-06. Review status: criteria provided, single submitter. Criteria: Ambry Variant Classification Scheme 2023. Collection method: clinical testing. Allele origin: germline.
Comment: The p.G312V variant (also known as c.935G>T), located in coding exon 9 of the NF1 gene, results from a G to T substitution at nucleotide position 935. The glycine at codon 312 is replaced by valine, an amino acid with dissimilar properties. This amino acid position is highly conserved in available vertebrate species. In addition, this alteration is predicted to be deleterious by in silico analysis. Since supporting evidence is limited at this time, the clinical significance of this alteration remains unclear.

Dr. Peter K. Rogan Lab, Western University
No classification provided (evidence only). Condition: Malignant tumor of esophagus. Review status: no classification provided. Collection method: in vitro. Allele origin: not applicable. Functional consequence: retained intron. Not counted in ClinVar's aggregate classification.

NM_001042492.3(NF1):c.935G>T (p.Gly312Val)

Gene: NF1 (neurofibromin 1; plus strand). Cytogenetic location: 17q11.2.
Variant type: single nucleotide variant.
Coding change: c.935G>T on transcript NM_001042492.3 (MANE Select); coding-DNA position 935, G replaced by T.
Protein change: p.Gly312Val; replaces glycine 312 with valine.
Molecular consequence: missense variant.
Genome position (GRCh38, 1-based): chr17:31,200,468, G>T. VCF-style: chr17-31200468-G-T. GRCh37 (hg19) VCF-style: chr17-29527486-G-T.
Other names: NC_000017.10:g.29527486G>T; c.935G>T, p.Gly312Val (NM_000267.4, NM_001128147.3); short protein forms G312V.
Identifiers: ClinVar variation 823189 (VCV000823189.7), dbSNP rs1555610868, ClinGen allele CA398995714.